The following is an entry in ClinVar:

NM_030665.4(RAI1):c.1960G>A (p.Ala654Thr)

Gene: RAI1 (retinoic acid induced 1; plus strand). Cytogenetic location: 17p11.2.
Variant type: single nucleotide variant.
Coding change: c.1960G>A on transcript NM_030665.4 (MANE Select); coding-DNA position 1960, G replaced by A.
Protein change: p.Ala654Thr; replaces alanine 654 with threonine.
Molecular consequence: missense variant.
Genome position (GRCh38, 1-based): chr17:17,794,908, G>A. VCF-style: chr17-17794908-G-A. GRCh37 (hg19) VCF-style: chr17-17698222-G-A.
Other names: short protein forms A654T.
Identifiers: ClinVar variation 1200721 (VCV001200721.14), dbSNP rs749791172, ClinGen allele CA8418433.
Genomic context (GRCh38, chr17:17,794,908, plus strand): 5'-AAGGACAGCAGCAAGCCACCCTTCTCGCTGGAGAACCACAGCGCCTGCCTGGACTCTGTG[G>A]CCAAGAGTGCGTGGCCCCGGCCTGGGGAGCCGGAGGCCCTGCCCGACTCCTTGCAGCTGG-3'
Protein context (NP_109590.3, residues 644-664): ENHSACLDSV[Ala654Thr]KSAWPRPGEP

ClinVar aggregate classification (germline): Benign/Likely benign. Review status: criteria provided, multiple submitters, no conflicts (2 of 4 stars). 4 submissions from 4 submitters: Benign (1); Likely benign (2). 1 of the submissions does not count toward it. Last evaluated 2025-12-15.

Conditions:
RAI1-related disorder. Also called: RAI1-related condition.

Allele frequency attached by ClinVar (database versions not stated): gnomAD exomes 0.00001 and 0.00002; ExAC 0.00003; gnomAD 0.00003 and 0.00004; TOPMed 0.00003.
gnomAD v4.1: 16 of 1,613,464 alleles (0.00099%); highest among the groups gnomAD compares: African/African-American, 0.0067%; no homozygotes.

Submissions (4):

Labcorp Genetics (formerly Invitae), Labcorp
Classification: Benign. Last evaluated: 2025-12-15. Review status: criteria provided, single submitter. Criteria: Invitae Variant Classification Sherloc (09022015). Collection method: clinical testing. Allele origin: germline.

Women's Health and Genetics/Laboratory Corporation of America, LabCorp
Classification: Likely benign. Last evaluated: 2025-01-03. Review status: criteria provided, single submitter. Criteria: LabCorp Variant Classification Summary - May 2015. Collection method: clinical testing. Allele origin: germline.
Comment: Variant summary: RAI1 c.1960G>A (p.Ala654Thr) results in a non-conservative amino acid change in the encoded protein sequence. Four of five in-silico tools predict a benign effect of the variant on protein function. The variant allele was found at a frequency of 1e-05 in 1606468 control chromosomes in the gnomAD database (v4.1 dataset). The occurrence in several carriers suggests that this variant is likely not associated with a high penetrance, severe, early onset disease phenotype in heterozygous state. To our knowledge, no occurrence of c.1960G>A in individuals affected with Smith-Magenis Syndrome and no experimental evidence demonstrating its impact on protein function have been reported. ClinVar contains an entry for this variant (Variation ID: 1200721). Based on the evidence outlined above, the variant was classified as likely benign.

GeneDx
Classification: Likely benign. Last evaluated: 2019-09-12. Review status: criteria provided, single submitter. Criteria: GeneDx Variant Classification Process June 2021. Collection method: clinical testing. Allele origin: germline. Affected: yes.

PreventionGenetics, part of Exact Sciences
Classification: Uncertain significance for RAI1-related condition. Last evaluated: 2024-04-11. Review status: no assertion criteria provided. Collection method: clinical testing. Allele origin: germline. Not counted in ClinVar's aggregate classification.
Comment: The RAI1 c.1960G>A variant is predicted to result in the amino acid substitution p.Ala654Thr. To our knowledge, this variant has not been reported in the literature. This variant is reported in 0.012% of alleles in individuals of African descent in gnomAD. Although we suspect that this variant may be benign, at this time, the clinical significance of this variant is uncertain due to the absence of conclusive functional and genetic evidence.